The following is an entry in ClinVar:

ClinVar aggregate classification (germline): Uncertain significance (1 of 4 stars; one submission).

Allele frequency attached by ClinVar (database versions not stated): TOPMed 0.00001.
gnomAD v4.1: 5 of 1,613,350 alleles (0.00031%); highest among the groups gnomAD compares: Admixed American, 0.0083%; no homozygotes.

Submission:

Labcorp Genetics (formerly Invitae), Labcorp
Classification: Uncertain significance. Last evaluated: 2022-04-20. Review status: criteria provided, single submitter. Criteria: Invitae Variant Classification Sherloc (09022015). Collection method: clinical testing. Allele origin: germline.
Comment: This sequence change replaces alanine, which is neutral and non-polar, with glycine, which is neutral and non-polar, at codon 221 of the GRHPR protein (p.Ala221Gly). This variant is present in population databases (rs772410150, gnomAD 0.01%). This variant has not been reported in the literature in individuals affected with GRHPR-related conditions. Advanced modeling of protein sequence and biophysical properties (such as structural, functional, and spatial information, amino acid conservation, physicochemical variation, residue mobility, and thermodynamic stability) performed at Invitae indicates that this missense variant is not expected to disrupt GRHPR protein function. In summary, the available evidence is currently insufficient to determine the role of this variant in disease. Therefore, it has been classified as a Variant of Uncertain Significance.

NM_012203.2(GRHPR):c.662C>G (p.Ala221Gly)

Gene: GRHPR (glyoxylate and hydroxypyruvate reductase; plus strand). Cytogenetic location: 9p13.2.
Variant type: single nucleotide variant.
Coding change: c.662C>G on transcript NM_012203.2 (MANE Select); coding-DNA position 662, C replaced by G.
Protein change: p.Ala221Gly; replaces alanine 221 with glycine.
Molecular consequence: missense variant.
Genome position (GRCh38, 1-based): chr9:37,430,574, C>G. VCF-style: chr9-37430574-C-G. GRCh37 (hg19) VCF-style: chr9-37430571-C-G.
Other names: short protein forms A221G.
Identifiers: ClinVar variation 2153159 (VCV002153159.1), dbSNP rs772410150, ClinGen allele CA5059168.
Genomic context (GRCh38, chr9:37,430,574, plus strand): 5'-CTACCCCTGAGCTGGCTGCCCAATCTGATTTCATCGTCGTGGCCTGCTCCTTAACACCTG[C>G]AACCGAGGGACTCTGCAACAAGGACTTCTTCCAGAAGATGAAGGAAACAGCTGTGTTCAT-3'
Protein context (NP_036335.1, residues 211-231): FIVVACSLTP[Ala221Gly]TEGLCNKDFF